The following is an entry in ClinVar:

ClinVar aggregate classification (germline): Pathogenic/Likely pathogenic. Review status: criteria provided, multiple submitters, no conflicts (2 of 4 stars). 7 submissions from 7 submitters: Pathogenic (6); Likely pathogenic (1). Last evaluated 2023-09-24.

Conditions:
Hereditary cancer-predisposing syndrome. Also called: Hereditary neoplastic syndrome; Neoplastic Syndromes, Hereditary; Tumor predisposition; Hereditary Cancer Syndrome. Identifiers: Orphanet 140162, MedGen C0027672, MeSH D009386, MONDO:0015356.
Hereditary breast ovarian cancer syndrome. Also called: Hereditary breast and ovarian cancer syndrome (HBOC); Breast and ovarian cancer; Hereditary breast and ovarian cancer syndrome; Hereditary breast and ovarian cancer; Hereditary breast and/or ovarian cancer syndrome; BRCA1- and BRCA2-Associated Hereditary Breast and Ovarian Cancer. Identifiers: Orphanet 145, MedGen C0677776, MeSH D061325, MONDO:0003582. Disease mechanism: loss of function.
Aplastic anemia. Identifiers: Orphanet 182040, Orphanet 88, MedGen C0002874, MONDO:0015909, OMIM 609135, HP:0001915.
Microcephaly, normal intelligence and immunodeficiency (NBS). Also called: IMMUNODEFICIENCY, MICROCEPHALY, AND CHROMOSOMAL INSTABILITY; SEEMANOVA SYNDROME II; Nijmegen breakage syndrome; Microcephaly with normal intelligence immunodeficiency and lymphoreticular malignancies; Nonsyndromal microcephaly autosomal recessive with normal intelligence; Seemanova syndrome 2. Identifiers: Orphanet 647, MedGen C0398791, MONDO:0009623, OMIM 251260.

Allele frequency attached by ClinVar (database versions not stated): gnomAD exomes below 0.00001.

Submissions (7):

Baylor Genetics
Classification: Likely pathogenic for Aplastic anemia. Last evaluated: 2023-09-24. Review status: criteria provided, single submitter. Criteria: ACMG Guidelines, 2015. Collection method: clinical testing. Allele origin: unknown.

Labcorp Genetics (formerly Invitae), Labcorp
Classification: Pathogenic for Microcephaly, normal intelligence and immunodeficiency. Last evaluated: 2023-06-23. Review status: criteria provided, single submitter. Criteria: Invitae Variant Classification Sherloc (09022015). Collection method: clinical testing. Allele origin: germline.
Comment: ClinVar contains an entry for this variant (Variation ID: 480026). This sequence change creates a premature translational stop signal (p.His149Thrfs*7) in the NBN gene. It is expected to result in an absent or disrupted protein product. Loss-of-function variants in NBN are known to be pathogenic (PMID: 9590180, 16415040). This variant is not present in population databases (gnomAD no frequency). This variant has not been reported in the literature in individuals affected with NBN-related conditions. For these reasons, this variant has been classified as Pathogenic.

Women's Health and Genetics/Laboratory Corporation of America, LabCorp
Classification: Pathogenic for Microcephaly, normal intelligence and immunodeficiency. Last evaluated: 2023-04-05. Review status: criteria provided, single submitter. Criteria: LabCorp Variant Classification Summary - May 2015. Collection method: clinical testing. Allele origin: germline.
Comment: Variant summary: NBN c.445delC (p.His149ThrfsX7) results in a premature termination codon, predicted to cause a truncation of the encoded protein or absence of the protein due to nonsense mediated decay, which are commonly known mechanisms for disease. The variant was absent in 251268 control chromosomes. To our knowledge, no occurrence of c.445delC in individuals affected with Nijmegen Breakage Syndrome and no experimental evidence demonstrating its impact on protein function have been reported. Four clinical diagnostic laboratories have submitted clinical-significance assessments for this variant to ClinVar after 2014 and classified it as pathogenic. Based on the evidence outlined above, the variant was classified as pathogenic.

Ambry Genetics
Classification: Pathogenic for Hereditary cancer-predisposing syndrome. Last evaluated: 2023-03-16. Review status: criteria provided, single submitter. Criteria: Ambry Variant Classification Scheme 2023. Collection method: clinical testing. Allele origin: germline.
Comment: The c.445delC pathogenic mutation, located in coding exon 4 of the NBN gene, results from a deletion of one nucleotide at nucleotide position 445, causing a translational frameshift with a predicted alternate stop codon (p.H149Tfs*7). This alteration is expected to result in loss of function by premature protein truncation or nonsense-mediated mRNA decay. As such, this alteration is interpreted as a disease-causing mutation.

Genome-Nilou Lab
Classification: Pathogenic for Microcephaly, normal intelligence and immunodeficiency. Last evaluated: 2021-11-07. Review status: criteria provided, single submitter. Criteria: ACMG Guidelines, 2015. Collection method: clinical testing. Allele origin: germline. Affected: no.

Department of Pathology and Laboratory Medicine, Sinai Health System
Classification: Pathogenic for Hereditary breast ovarian cancer syndrome. Last evaluated: 2021-03-04. Review status: criteria provided, single submitter. Criteria: ACMG Guidelines, 2015. Collection method: clinical testing. Allele origin: germline. Affected: yes.

Quest Diagnostics Nichols Institute San Juan Capistrano
Classification: Pathogenic. Last evaluated: 2019-02-05. Review status: criteria provided, single submitter. Criteria: Quest Diagnostics criteria. Collection method: clinical testing. Allele origin: germline.
Comment: The variant results in a shift of the reading frame, and is therefore predicted to result in the loss of a functional protein. Found in at least one symptomatic patient, and not found in general population data.

Literature cited by the submitters: PubMed 9590180 (cited by Labcorp Genetics (formerly Invitae), Labcorp); PubMed 16415040 (cited by Labcorp Genetics (formerly Invitae), Labcorp).

NM_002485.5(NBN):c.445del (p.His149fs)

Gene: NBN (nibrin; minus strand). Cytogenetic location: 8q21.3.
Variant type: Deletion.
Coding change: c.445del on transcript NM_002485.5 (MANE Select); coding-DNA position 445, one base deleted (C; older notation c.445delC).
Protein change: p.His149fs; shifts the reading frame from histidine 149.
Molecular consequence: frameshift variant.
Genome position (GRCh38, 1-based): chr8:89,980,769, G deleted on the plus strand (C on the coding strand, the reverse complement: NBN is on the minus strand). VCF-style (leftmost placement, unchanged base first): chr8-89980768-TG-T. GRCh37 (hg19) VCF-style: chr8-90992996-TG-T.
Other names: c.445delC (NM_002485.4); c.199del, p.His67fs (NM_001024688.3); short protein forms H67fs, H149fs.
Identifiers: ClinVar variation 480026 (VCV000480026.20), dbSNP rs1554567892, ClinGen allele CA658657811.